The following is an entry in ClinVar:

ClinVar aggregate classification (germline): Uncertain significance (1 of 4 stars; one submission).

gnomAD v4.1: 2 of 1,614,090 alleles (0.00012%); highest among the groups gnomAD compares: Non-Finnish European, 0.00017%; no homozygotes.

Submission:

GeneDx
Classification: Uncertain significance. Last evaluated: 2026-03-13. Review status: criteria provided, single submitter. Criteria: GeneDx Variant Classification Process June 2021. Collection method: clinical testing. Allele origin: germline.
Comment: Not observed at significant frequency in large population cohorts (gnomAD); In silico analysis suggests that this missense variant does not alter protein structure/function; Has not been previously published as pathogenic or benign to our knowledge

NM_015354.3(NUP188):c.1435A>G (p.Lys479Glu)

Gene: NUP188 (nucleoporin 188; plus strand). Cytogenetic location: 9q34.11.
Variant type: single nucleotide variant.
Coding change: c.1435A>G on transcript NM_015354.3 (MANE Select); coding-DNA position 1435, A replaced by G.
Protein change: p.Lys479Glu; replaces lysine 479 with glutamic acid.
Molecular consequence: missense variant.
Genome position (GRCh38, 1-based): chr9:128,981,309, A>G. VCF-style: chr9-128981309-A-G. GRCh37 (hg19) VCF-style: chr9-131743588-A-G.
Other names: short protein forms K479E.
Identifiers: ClinVar variation 5009068 (VCV005009068.1).